The following is an entry in ClinVar:

NM_173728.4(ARHGEF15):c.1813A>C (p.Met605Leu)

Gene: ARHGEF15 (Rho guanine nucleotide exchange factor 15; plus strand). Cytogenetic location: 17p13.1.
Variant type: single nucleotide variant.
Coding change: c.1813A>C on transcript NM_173728.4 (MANE Select); coding-DNA position 1813, A replaced by C.
Protein change: p.Met605Leu; replaces methionine 605 with leucine.
Molecular consequence: missense variant.
Genome position (GRCh38, 1-based): chr17:8,318,603, A>C. VCF-style: chr17-8318603-A-C. GRCh37 (hg19) VCF-style: chr17-8221921-A-C.
Other names: c.1813A>C, p.Met605Leu (NM_025014.2); short protein forms M605L.
Identifiers: ClinVar variation 1937757 (VCV001937757.5), dbSNP rs1394510179, ClinGen allele CA398023028.
Genomic context (GRCh38, chr17:8,318,603, plus strand): 5'-GGTGGTGACACAGCTCCCCTTACCTAGATCATCGAGCGTTGCAGCGCTGAGGTGGGGCGC[A>C]TGAAGCAGACTGAAGAGCTGATCCGGCTCACCCAAAGGCTGCGCTTCCACAAAGTCAAGG-3'
Protein context (NP_776089.2, residues 595-615): IERCSAEVGR[Met605Leu]KQTEELIRLT

ClinVar aggregate classification (germline): Uncertain significance (1 of 4 stars; one submission).

Conditions:
Early-infantile DEE. Also called: Ohtahara syndrome; Early infantile epileptic encephalopathy; Early infantile epileptic encephalopathy with suppression bursts. Identifiers: Orphanet 1934, MedGen C0393706, MONDO:0800491.

Allele frequency attached by ClinVar (database versions not stated): TOPMed below 0.00001.
gnomAD v4.1: 6 of 1,613,904 alleles (0.00037%); highest among the groups gnomAD compares: Non-Finnish European, 0.00051%; no homozygotes.

Submission:

Labcorp Genetics (formerly Invitae), Labcorp
Classification: Uncertain significance for Early-infantile DEE. Last evaluated: 2024-11-04. Review status: criteria provided, single submitter. Criteria: Invitae Variant Classification Sherloc (09022015). Collection method: clinical testing. Allele origin: germline.
Comment: This sequence change replaces methionine, which is neutral and non-polar, with leucine, which is neutral and non-polar, at codon 605 of the ARHGEF15 protein (p.Met605Leu). This variant is not present in population databases (gnomAD no frequency). This variant has not been reported in the literature in individuals affected with ARHGEF15-related conditions. ClinVar contains an entry for this variant (Variation ID: 1937757). An algorithm developed to predict the effect of missense changes on protein structure and function (PolyPhen-2) suggests that this variant is likely to be disruptive. In summary, the available evidence is currently insufficient to determine the role of this variant in disease. Therefore, it has been classified as a Variant of Uncertain Significance.